The following is an entry in ClinVar:

NM_022817.3(PER2):c.1991C>T (p.Ala664Val)

Gene: PER2 (period circadian regulator 2; minus strand). Cytogenetic location: 2q37.3.
Variant type: single nucleotide variant.
Coding change: c.1991C>T on transcript NM_022817.3 (MANE Select); coding-DNA position 1991, C replaced by T.
Protein change: p.Ala664Val; replaces alanine 664 with valine.
Molecular consequence: missense variant.
Genome position (GRCh38, 1-based): chr2:238,256,996, G>A on the plus strand (C>T on the coding strand, the complement: PER2 is on the minus strand). VCF-style: chr2-238256996-G-A. GRCh37 (hg19) VCF-style: chr2-239165637-G-A.
Other names: short protein forms A664V.
Identifiers: ClinVar variation 3043837 (VCV003043837.2), dbSNP rs70965448, ClinGen allele CA2197218.

ClinVar aggregate classification (germline): Benign (0 of 4 stars; one submission).

Conditions:
PER2-related disorder. Also called: PER2-related condition.

Allele frequency attached by ClinVar (database versions not stated): 1000 Genomes Project 30x 0.00031; 1000 Genomes Project 0.00040; TOPMed 0.00052; ESP Exome Variant Server 0.00077; gnomAD exomes 0.00101; ExAC 0.00156; gnomAD 0.00179.
gnomAD v4.1: 1,730 of 1,613,682 alleles (0.11%); highest among the groups gnomAD compares: Middle Eastern, 0.099%; 6 homozygotes.

Submission:

PreventionGenetics, part of Exact Sciences
Classification: Benign for PER2-related condition. Last evaluated: 2019-06-01. Review status: no assertion criteria provided. Collection method: clinical testing. Allele origin: germline.
Comment: This variant is classified as benign based on ACMG/AMP sequence variant interpretation guidelines (Richards et al. 2015 PMID: 25741868, with internal and published modifications).